The following is an entry in ClinVar:

NM_000215.4(JAK3):c.2412T>C (p.Asn804=)

Gene: JAK3 (Janus kinase 3; minus strand). Cytogenetic location: 19p13.11.
Variant type: single nucleotide variant.
Coding change: c.2412T>C on transcript NM_000215.4 (MANE Select); coding-DNA position 2412, T replaced by C.
Protein change: p.Asn804=; no amino-acid change (asparagine 804 retained).
Molecular consequence: synonymous variant.
Genome position (GRCh38, 1-based): chr19:17,832,868, A>G on the plus strand (T>C on the coding strand, the complement: JAK3 is on the minus strand). VCF-style: chr19-17832868-A-G. GRCh37 (hg19) VCF-style: chr19-17943677-A-G.
Other names: c.2412T>C (NM_000215.3).
Identifiers: ClinVar variation 1139973 (VCV001139973.11), dbSNP rs368403369, ClinGen allele CA9301604.

ClinVar aggregate classification (germline): Likely benign. Review status: criteria provided, single submitter (1 of 4 stars). 2 submissions from 2 submitters: Likely benign (1). 1 of the submissions does not count toward it. Last evaluated 2025-12-30.

Conditions:
T-B+ severe combined immunodeficiency due to JAK3 deficiency. Also called: SCID, T CELL-NEGATIVE, B CELL-POSITIVE, NK CELL-NEGATIVE; SCID, autosomal recessive, T-negative/B-positive type. Identifiers: Orphanet 35078, MedGen C1833275, MONDO:0010938, OMIM 600802.
JAK3-related disorder. Also called: JAK3-related condition.

Allele frequency attached by ClinVar (database versions not stated): gnomAD exomes 0.00001 and 0.00003; ExAC 0.00003; ESP Exome Variant Server 0.00008; gnomAD 0.00015; TOPMed 0.00016; 1000 Genomes Project 0.00040; 1000 Genomes Project 30x 0.00047.
gnomAD v4.1: 45 of 1,614,182 alleles (0.0028%); highest among the groups gnomAD compares: African/African-American, 0.035%; no homozygotes.

Submissions (2):

Labcorp Genetics (formerly Invitae), Labcorp
Classification: Likely benign for T-B+ severe combined immunodeficiency due to JAK3 deficiency. Last evaluated: 2025-12-30. Review status: criteria provided, single submitter. Criteria: Invitae Variant Classification Sherloc (09022015). Collection method: clinical testing. Allele origin: germline.

PreventionGenetics, part of Exact Sciences
Classification: Likely benign for JAK3-related condition. Last evaluated: 2019-06-24. Review status: no assertion criteria provided. Collection method: clinical testing. Allele origin: germline. Not counted in ClinVar's aggregate classification.
Comment: This variant is classified as likely benign based on ACMG/AMP sequence variant interpretation guidelines (Richards et al. 2015 PMID: 25741868, with internal and published modifications).